The following is an entry in ClinVar:

ClinVar aggregate classification (germline): Uncertain significance. Review status: criteria provided, single submitter (1 of 4 stars). 2 submissions from 2 submitters: Uncertain significance (1). 1 of the submissions does not count toward it. Last evaluated 2025-08-28.

Conditions:
PKD1L1-related disorder. Also called: PKD1L1-related condition.
Inborn genetic diseases. Identifiers: MedGen C0950123, MeSH D030342.

Submissions (2):

Ambry Genetics
Classification: Uncertain significance for Inborn genetic diseases. Last evaluated: 2025-08-28. Review status: criteria provided, single submitter. Criteria: Ambry Variant Classification Scheme 2023. Collection method: clinical testing. Allele origin: germline.

PreventionGenetics, part of Exact Sciences
Classification: Uncertain significance for PKD1L1-related condition. Last evaluated: 2024-03-20. Review status: no assertion criteria provided. Collection method: clinical testing. Allele origin: germline. Not counted in ClinVar's aggregate classification.
Comment: The PKD1L1 c.4160T>G variant is predicted to result in the amino acid substitution p.Met1387Arg. To our knowledge, this variant has not been reported in the literature. This variant is reported in 0.012% of alleles in individuals of Latino descent in gnomAD. At this time, the clinical significance of this variant is uncertain due to the absence of conclusive functional and genetic evidence.

NM_138295.5(PKD1L1):c.4160T>G (p.Met1387Arg)

Gene: PKD1L1 (polycystin 1 like 1, transient receptor potential channel interacting; minus strand). Cytogenetic location: 7p12.3.
Variant type: single nucleotide variant.
Coding change: c.4160T>G on transcript NM_138295.5 (MANE Select); coding-DNA position 4160, T replaced by G.
Protein change: p.Met1387Arg; replaces methionine 1387 with arginine.
Molecular consequence: missense variant.
Genome position (GRCh38, 1-based): chr7:47,858,875, A>C on the plus strand (T>G on the coding strand, the complement: PKD1L1 is on the minus strand). VCF-style: chr7-47858875-A-C. GRCh37 (hg19) VCF-style: chr7-47898473-A-C.
Other names: short protein forms M1387R.
Identifiers: ClinVar variation 3358603 (VCV003358603.2).